The following is an entry in ClinVar:

ClinVar aggregate classification (germline): Uncertain significance (1 of 4 stars; one submission).

Conditions:
Idiopathic generalized epilepsy. Also called: Generalised epilepsy; EIG. Identifiers: MedGen C0270850, MONDO:0005579, OMIM 600669.
Hyperaldosteronism, familial, type IV (HALD4). Also called: FH IV; ALDOSTERONISM, PRIMARY, AND HYPERTENSION. Identifiers: Orphanet 642671, MedGen C4310756, MONDO:0014875, OMIM 617027.

Submission:

Labcorp Genetics (formerly Invitae), Labcorp
Classification: Uncertain significance for Idiopathic generalized epilepsy; Hyperaldosteronism, familial, type IV. Last evaluated: 2022-09-21. Review status: criteria provided, single submitter. Criteria: Invitae Variant Classification Sherloc (09022015). Collection method: clinical testing. Allele origin: germline.
Comment: In summary, the available evidence is currently insufficient to determine the role of this variant in disease. Therefore, it has been classified as a Variant of Uncertain Significance. Variants that disrupt the consensus splice site are a relatively common cause of aberrant splicing (PMID: 17576681, 9536098). Algorithms developed to predict the effect of sequence changes on RNA splicing suggest that this variant is not likely to affect RNA splicing. This variant has not been reported in the literature in individuals affected with CACNA1H-related conditions. This variant is not present in population databases (gnomAD no frequency). This sequence change falls in intron 20 of the CACNA1H gene. It does not directly change the encoded amino acid sequence of the CACNA1H protein. It affects a nucleotide within the consensus splice site.

Literature cited by the submitters: PubMed 17576681; PubMed 9536098.

NM_021098.3(CACNA1H):c.4038+4C>A

Gene: CACNA1H (calcium voltage-gated channel subunit alpha1 H; plus strand). Cytogenetic location: 16p13.3.
Variant type: single nucleotide variant.
Coding change: c.4038+4C>A on transcript NM_021098.3 (MANE Select); 4 bases into the intron after coding-DNA position 4038, C replaced by A.
Molecular consequence: intron variant.
Genome position (GRCh38, 1-based): chr16:1,210,655, C>A. VCF-style: chr16-1210655-C-A. GRCh37 (hg19) VCF-style: chr16-1260655-C-A.
Other names: c.4038+4C>A (NM_001005407.2).
Identifiers: ClinVar variation 2131299 (VCV002131299.4), dbSNP rs1207045890, ClinGen allele CA2575864369.
Genomic context (GRCh38, chr16:1,210,655, plus strand): 5'-CTCAGCGTCTCCAATTACATCTTCACGGCCATCTTCGTGGCGGAGATGATGGTGAAGGTA[C>A]CGCGGGGCCCGGGGACTGCCCTTGTTCCCAGGTCCCCGTTCTGCCCTCATCCCCACCCCC-3'